The following is an entry in ClinVar:

ClinVar aggregate classification (germline): Benign/Likely benign. Review status: criteria provided, multiple submitters, no conflicts (2 of 4 stars). 4 submissions from 4 submitters: Benign (1); Likely benign (3). Last evaluated 2026-08-19.

Conditions:
ARCN1-related disorder. Also called: ARCN1-related condition.
Short stature, rhizomelic, with microcephaly, micrognathia, and developmental delay (SSMG). Also called: SHORT STATURE-MICROGNATHIA SYNDROME. Identifiers: Orphanet 659702, MedGen C4310686, MONDO:0014948, OMIM 617164.

Allele frequency attached by ClinVar (database versions not stated): gnomAD exomes 0.00020 and 0.00054; ExAC 0.00069; gnomAD 0.00223 and 0.00242; TOPMed 0.00233; ESP Exome Variant Server 0.00277; 1000 Genomes Project 30x 0.00281; 1000 Genomes Project 0.00300.
gnomAD v4.1: 639 of 1,610,078 alleles (0.04%); highest among the groups gnomAD compares: African/African-American, 0.79%; 3 homozygotes.

Submissions (4):

PreventionGenetics, part of Exact Sciences
Classification: Likely benign for ARCN1-related condition. Last evaluated: 2026-08-19. Review status: criteria provided, single submitter. Criteria: ACMG Guidelines, 2015. Collection method: clinical testing. Allele origin: germline.
Comment: This variant is classified as likely benign based on ACMG/AMP sequence variant interpretation guidelines (Richards et al. 2015 PMID: 25741868, with internal and published modifications).

Labcorp Genetics (formerly Invitae), Labcorp
Classification: Benign. Last evaluated: 2025-12-06. Review status: criteria provided, single submitter. Criteria: Invitae Variant Classification Sherloc (09022015). Collection method: clinical testing. Allele origin: germline.

Blueprint Genetics
Classification: Likely benign. Last evaluated: 2024-08-28. Review status: criteria provided, single submitter. Criteria: ACMG Guidelines, 2015. Collection method: clinical testing. Allele origin: germline.

Fulgent Genetics
Classification: Likely benign for Short stature, rhizomelic, with microcephaly, micrognathia, and developmental delay. Last evaluated: 2021-09-13. Review status: criteria provided, single submitter. Criteria: ACMG Guidelines, 2015. Collection method: clinical testing. Allele origin: unknown.

NM_001655.5(ARCN1):c.786C>G (p.Thr262=)

Gene: ARCN1 (archain 1 coat protein complex I subunit delta; plus strand). Cytogenetic location: 11q23.3.
Variant type: single nucleotide variant.
Coding change: c.786C>G on transcript NM_001655.5 (MANE Select); coding-DNA position 786, C replaced by G.
Protein change: p.Thr262=; no amino-acid change (threonine 262 retained).
Molecular consequence: synonymous variant.
Genome position (GRCh38, 1-based): chr11:118,584,612, C>G. VCF-style: chr11-118584612-C-G. GRCh37 (hg19) VCF-style: chr11-118455327-C-G.
Other names: c.522C>G, p.Thr174= (NM_001142281.2).
Identifiers: ClinVar variation 711067 (VCV000711067.13), dbSNP rs141830134, ClinGen allele CA6306133.